The following is an entry in ClinVar:

ClinVar aggregate classification (germline): Pathogenic. Review status: reviewed by expert panel (3 of 4 stars). 5 submissions from 5 submitters: Pathogenic (1). 4 of the submissions do not count toward it. Last evaluated 2025-05-19.

Conditions:
Familial adenomatous polyposis 1 (FAP1). Also called: FAMILIAL ADENOMATOUS POLYPOSIS 1, ATTENUATED; POLYPOSIS, ADENOMATOUS INTESTINAL. Identifiers: MedGen C2713442, MONDO:0021056, OMIM 175100. Disease mechanism: loss of function.
Hereditary cancer-predisposing syndrome. Also called: Neoplastic Syndromes, Hereditary; Tumor predisposition; Hereditary Cancer Syndrome; Hereditary neoplastic syndrome. Identifiers: Orphanet 140162, MedGen C0027672, MeSH D009386, MONDO:0015356.

Allele frequency attached by ClinVar (database versions not stated): gnomAD 0.00001.
gnomAD v4.1: 1 of 1,613,018 alleles (0.000062%); highest among the groups gnomAD compares: African/African-American, 0.0013%; no homozygotes.

Submissions (5):

ClinGen InSiGHT Hereditary Colorectal Cancer/Polyposis Variant Curation Expert Panel
Classification: Pathogenic for Familial adenomatous polyposis 1. Last evaluated: 2025-05-19. Review status: reviewed by expert panel. Criteria: ClinGen InSiGHT HCCP VCEP ACMG Specifications APC V1. Collection method: curation. Allele origin: germline. Inheritance: Autosomal dominant inheritance.
Comment: The NM_000038.6(APC):c.1333C>T (p.Gln445Ter) variant in APC is a nonsense variant located between codon 49 and 2645 and is predicted to cause a premature stop codon in exon 11 in a gene in which loss-of-function is an established disease mechanism (PVS1). This variant has been reported in 2 probands meeting phenotypic criteria, resulting in a total phenotype score of 2.0 points (PS4_Moderate, [PMID: 19793053, Ambry Genetics]). The variant is reported in one additional proband with a colorectal cancer/polyposis associated phenotype not meeting phenotypic criteria (PMID: 35418818). This variant is absent from gnomAD v2.1.1 (PM2_Supporting). In summary, this variant meets the criteria to be classified as Pathogenic for autosomal-dominant inherited FAP based on the ACMG/AMP criteria applied, as specified by the ClinGen InSiGHT Hereditary Colorectal Cancer/Polyposis VCEP: PVS1, PS4_Moderate, PM2_Supporting (VCEP specifications version v2.0.3; date of approval 7/24/2023).

Myriad Genetics, Inc.
Classification: Pathogenic for Familial adenomatous polyposis 1. Last evaluated: 2026-08-13. Review status: criteria provided, single submitter. Criteria: Myriad Autosomal Dominant, Autosomal Recessive and X-Linked Classification Criteria (2023). Collection method: clinical testing. Allele origin: unknown. Not counted in ClinVar's aggregate classification.
Comment: This variant is considered pathogenic. This variant creates a termination codon and is predicted to result in premature protein truncation.

Ambry Genetics
Classification: Pathogenic for Hereditary cancer-predisposing syndrome. Last evaluated: 2026-01-06. Review status: criteria provided, single submitter. Criteria: Ambry Variant Classification Scheme 2023. Collection method: clinical testing. Allele origin: germline. Not counted in ClinVar's aggregate classification.
Comment: The p.Q445* pathogenic mutation (also known as c.1333C>T), located in coding exon 10 of the APC gene, results from a C to T substitution at nucleotide position 1333. This changes the amino acid from a glutamine to a stop codon within coding exon 10. This variant was reported in individual(s) with features consistent with APC-related familial adenomatous polyposis (Ambry internal data). This variant is considered to be rare based on population cohorts in the Genome Aggregation Database (gnomAD). This alteration is expected to result in loss of function by premature protein truncation or nonsense-mediated mRNA decay. As such, this alteration is interpreted as a disease-causing mutation.

Labcorp Genetics (formerly Invitae), Labcorp
Classification: Pathogenic for Familial adenomatous polyposis 1. Last evaluated: 2024-04-04. Review status: criteria provided, single submitter. Criteria: Invitae Variant Classification Sherloc (09022015). Collection method: clinical testing. Allele origin: germline. Not counted in ClinVar's aggregate classification.
Comment: This sequence change creates a premature translational stop signal (p.Gln445*) in the APC gene. It is expected to result in an absent or disrupted protein product. Loss-of-function variants in APC are known to be pathogenic (PMID: 17963004, 20685668). This variant is not present in population databases (gnomAD no frequency). This premature translational stop signal has been observed in individual(s) with familial adenomatous polyposis (PMID: 19793053). ClinVar contains an entry for this variant (Variation ID: 438865). For these reasons, this variant has been classified as Pathogenic.

Quest Diagnostics Nichols Institute San Juan Capistrano
Classification: Pathogenic. Last evaluated: 2016-11-07. Review status: criteria provided, single submitter. Criteria: Quest Diagnostics criteria. Collection method: clinical testing. Allele origin: germline. Not counted in ClinVar's aggregate classification.

Literature cited by the submitters: PubMed 19793053 (cited by 3 submitters); PubMed 35418818 (cited by Ambry Genetics); PubMed 17963004 (cited by Labcorp Genetics (formerly Invitae), Labcorp); PubMed 20685668 (cited by Labcorp Genetics (formerly Invitae), Labcorp).

NM_000038.6(APC):c.1333C>T (p.Gln445Ter)

Gene: APC (APC regulator of Wnt signaling pathway; plus strand). Cytogenetic location: 5q22.2.
Variant type: single nucleotide variant.
Coding change: c.1333C>T on transcript NM_000038.6 (MANE Select); coding-DNA position 1333, C replaced by T.
Protein change: p.Gln445Ter; replaces glutamine 445 with a stop codon.
Molecular consequence: nonsense.
Genome position (GRCh38, 1-based): chr5:112,821,916, C>T. VCF-style: chr5-112821916-C-T. GRCh37 (hg19) VCF-style: chr5-112157613-C-T.
Other names: NM_000038.6(APC):c.1333C>T; p.Gln445Ter; c.1333C>T, p.Gln445Ter (NM_001127510.3, NM_001354895.2, NM_001354896.2); c.1279C>T, p.Gln427Ter (NM_001127511.3); c.1363C>T, p.Gln455Ter (NM_001354897.2); c.1258C>T, p.Gln420Ter (NM_001354898.2); c.1249C>T, p.Gln417Ter (NM_001354899.2); c.1156C>T, p.Gln386Ter (NM_001354900.2, NM_001354901.2); and 5 more; short protein forms Q427*, Q445*, Q344*, Q386*, Q420*, Q162*, Q417*, Q455*.
Identifiers: ClinVar variation 438865 (VCV000438865.16), dbSNP rs876658802, ClinGen allele CA16024224.
Genomic context (GRCh38, chr5:112,821,916, plus strand): 5'-ATAACAAAGCATTATGGTTTATGTTGATTTTATTTTTCAGTGCCAGCTCCTGTTGAACAT[C>T]AGATCTGTCCTGCTGTGTGTGTTCTAATGAAACTTTCATTTGATGAAGAGCATAGACATG-3'